The following is an entry in ClinVar:

NM_000548.5(TSC2):c.5202T>C (p.Asp1734=)

Genes: PKD1 (polycystin 1, transient receptor potential channel interacting; minus strand), TSC2 (TSC complex subunit 2; plus strand). Cytogenetic location: 16p13.3.
Variant type: single nucleotide variant.
Coding change: c.5202T>C on transcript NM_000548.5 (MANE Select); coding-DNA position 5202, T replaced by C.
Protein change: p.Asp1734=; no amino-acid change (aspartic acid 1734 retained).
Molecular consequence: synonymous variant.
Genome position (GRCh38, 1-based): chr16:2,088,268, T>C. VCF-style: chr16-2088268-T-C. GRCh37 (hg19) VCF-style: chr16-2138269-T-C.
Other names: p.Asp1734=; c.5001T>C, p.Asp1667= (NM_001077183.3); c.5133T>C, p.Asp1711= (NM_001114382.3); c.4893T>C, p.Asp1631= (NM_001318827.2); c.4857T>C, p.Asp1619= (NM_001318829.2); c.4470T>C, p.Asp1490= (NM_001318831.2); c.5034T>C, p.Asp1678= (NM_001318832.2); c.5004T>C, p.Asp1668= (NM_001363528.2); and 4 more.
Identifiers: ClinVar variation 49895 (VCV000049895.54), dbSNP rs1748, ClinGen allele CA022131.

ClinVar aggregate classification (germline): Benign. Review status: criteria provided, multiple submitters, no conflicts (2 of 4 stars). 23 submissions from 21 submitters: Benign (18). 5 of the submissions do not count toward it. Last evaluated 2026-02-04.

Conditions:
Hereditary cancer-predisposing syndrome. Also called: Tumor predisposition; Neoplastic Syndromes, Hereditary; Hereditary neoplastic syndrome; Hereditary Cancer Syndrome. Identifiers: Orphanet 140162, MedGen C0027672, MeSH D009386, MONDO:0015356.
Lymphangiomyomatosis (LAM). Also called: Lymphangioleiomyomatosis; Lymphangioleiomyomatosis, somatic. Identifiers: Orphanet 538, MedGen C0751674, MONDO:0011705, OMIM 606690.
Tuberous sclerosis syndrome (TSC). Also called: Tuberous Sclerosis Complex; Tuberous sclerosis. Identifiers: Orphanet 805, MedGen C0041341, MONDO:0001734.
Polycystic kidney disease, adult type (PKD1). Also called: POLYCYSTIC KIDNEY DISEASE 1 WITH OR WITHOUT POLYCYSTIC LIVER DISEASE; POLYCYSTIC KIDNEY DISEASE, ADULT, TYPE I; Polycystic Kidney, Autosomal Dominant; Polycystic Kidney Disease 1, Autosomal Dominant; Polycystic kidney disease 1; Polycystic kidney disease 1, severe. Identifiers: MedGen C3149841, MONDO:0008263, OMIM 173900.
Tuberous sclerosis 2 (TSC2). Identifiers: Orphanet 805, MedGen C1860707, MONDO:0013199, OMIM 613254.

Allele frequency attached by ClinVar (database versions not stated): gnomAD exomes 0.17849; ExAC 0.18828; 1000 Genomes Project 0.27636; 1000 Genomes Project 30x 0.28685; TOPMed 0.31547; ESP Exome Variant Server 0.33246; gnomAD 0.35806.
gnomAD v4.1: 305,299 of 1,586,204 alleles (19%); highest among the groups gnomAD compares: African/African-American, 67%; 38,924 homozygotes.

Submissions (23):

Labcorp Genetics (formerly Invitae), Labcorp
Classification: Benign for Tuberous sclerosis 2. Last evaluated: 2026-02-04. Review status: criteria provided, single submitter. Criteria: Invitae Variant Classification Sherloc (09022015). Collection method: clinical testing. Allele origin: germline.

ARUP Laboratories, Molecular Genetics and Genomics, ARUP Laboratories
Classification: Benign. Last evaluated: 2025-07-23. Review status: criteria provided, single submitter. Criteria: ARUP Molecular Germline Variant Investigation Process 2024. Collection method: clinical testing. Allele origin: germline.

Myriad Genetics, Inc.
Classification: Benign for Tuberous sclerosis 2. Last evaluated: 2025-06-06. Review status: criteria provided, single submitter. Criteria: Myriad Autosomal Dominant, Autosomal Recessive and X-Linked Classification Criteria (2023). Collection method: clinical testing. Allele origin: unknown.
Comment: This variant is considered benign. This variant is a silent/synonymous amino acid change and it is not expected to impact splicing.

KCCC/NGS Laboratory, Kuwait Cancer Control Center
Classification: Benign for Polycystic kidney disease, adult type. Last evaluated: 2025-02-01. Review status: criteria provided, single submitter. Criteria: ACMG Guidelines, 2015. Collection method: clinical testing. Allele origin: germline. Affected: no.

Blueprint Genetics
Classification: Benign. Last evaluated: 2024-11-27. Review status: criteria provided, single submitter. Criteria: ACMG Guidelines, 2015. Collection method: clinical testing. Allele origin: germline.

All of Us Research Program, National Institutes of Health
Classification: Benign for Tuberous sclerosis syndrome. Last evaluated: 2024-10-02. Review status: criteria provided, single submitter. Criteria: ACMG Guidelines, 2015. Collection method: clinical testing. Allele origin: germline. Inheritance: Autosomal dominant inheritance. Observed: 50,217 variant alleles, 41,842 heterozygotes, 8,364 homozygotes, 11 hemizygotes.
Comment: This study involves interpretation of variants in research participants for the purpose of population health screening. Participant phenotype was not available at the time of variant classification. Additional details can be found in publication PMID: 35346344, PMCID: PMC8962531

Unidad de Genómica Garrahan, Hospital de Pediatría Garrahan
Classification: Benign. Last evaluated: 2024-07-15. Review status: criteria provided, single submitter. Criteria: ACMG Guidelines, 2015. Collection method: clinical testing. Allele origin: germline. Affected: no. Observed: 28 variant alleles.
Comment: This variant is classified as Benign based on local population frequency. This variant was detected in 30% of patients studied in a panel designed for Epileptic and Developmental Encephalopathy and Progressive Myoclonus Epilepsy. Number of patients: 28. Only high quality variants are reported.

KCCC/NGS Laboratory, Kuwait Cancer Control Center
Classification: Benign for Tuberous sclerosis 2. Last evaluated: 2023-07-07. Review status: criteria provided, single submitter. Criteria: ACMG Guidelines, 2015. Collection method: clinical testing. Allele origin: germline. Affected: yes.

Mayo Clinic Laboratories, Mayo Clinic
Classification: Benign. Last evaluated: 2022-03-10. Review status: criteria provided, single submitter. Criteria: ACMG Guidelines, 2015. Collection method: clinical testing. Allele origin: germline. Observed: 551 variant alleles.

Genome-Nilou Lab
Classification: Benign for Tuberous sclerosis 2. Last evaluated: 2021-11-07. Review status: criteria provided, single submitter. Criteria: ACMG Guidelines, 2015. Collection method: clinical testing. Allele origin: germline. Affected: no.

Color Diagnostics, LLC DBA Color Health
Classification: Benign for Tuberous sclerosis syndrome. Last evaluated: 2019-03-28. Review status: criteria provided, single submitter. Criteria: ACMG Guidelines, 2015. Collection method: clinical testing. Allele origin: germline.

Illumina Laboratory Services, Illumina
Classification: Benign for Tuberous sclerosis syndrome. Last evaluated: 2018-01-12. Review status: criteria provided, single submitter. Criteria: ICSL Variant Classification Criteria 13 December 2019. Collection method: clinical testing. Allele origin: germline.
Comment: This variant was observed in the ICSL laboratory as part of a predisposition screen in an ostensibly healthy population. It had not been previously curated by ICSL or reported in the Human Gene Mutation Database (HGMD: prior to June 1st, 2018), and was therefore a candidate for classification through an automated scoring system. Utilizing variant allele frequency, disease prevalence and penetrance estimates, and inheritance mode, an automated score was calculated to assess if this variant is too frequent to cause the disease. Based on the score and internal cut-off values, a variant classified as benign is not then subjected to further curation. The score for this variant resulted in a classification of benign for this disease.

Women's Health and Genetics/Laboratory Corporation of America, LabCorp
Classification: Benign. Last evaluated: 2016-08-23. Review status: criteria provided, single submitter. Criteria: LabCorp Variant Classification Summary - May 2015. Collection method: clinical testing. Allele origin: germline.
Comment: Variant summary: The TSC2 c.5202T>C (p.Asp1734Asp) variant involves the alteration of a non-conserved nucleotide, resulting in a synonymous change. One in silico tool predicts a polymorphism outcome for this variant. 5/5 splice prediction tools predict no significant impact on normal splicing. ESE finder predicts that this variant may affect multiple ESE sites. However, these predictions have yet to be confirmed by functional studies. This variant was found in 22671/120414 control chromosomes (3647 homozygotes) at a frequency of 0.1882754, which is approximately 2738 times the estimated maximal expected allele frequency of a pathogenic TSC2 variant (0.0000688), suggesting this variant is likely a benign polymorphism. In addition, multiple clinical diagnostic laboratories classified this variant as benign. Taken together, this variant is classified as benign.

GeneDx
Classification: Benign. Last evaluated: 2015-03-03. Review status: criteria provided, single submitter. Criteria: GeneDx Variant Classification Process June 2021. Collection method: clinical testing. Allele origin: germline. Affected: yes.

Ambry Genetics
Classification: Benign for Hereditary cancer-predisposing syndrome. Last evaluated: 2014-11-20. Review status: criteria provided, single submitter. Criteria: Ambry Variant Classification Scheme 2023. Collection method: clinical testing. Allele origin: germline.

Laboratory for Molecular Medicine, Mass General Brigham Personalized Medicine
Classification: Benign. Last evaluated: 2013-02-21. Review status: criteria provided, single submitter. Criteria: LMM Criteria. Collection method: clinical testing. Allele origin: germline. Observed: 25 variant alleles.
Comment: Asp1734Asp in exon 41 of TSC2: This variant is not expected to have clinical sig nificance because it does not alter an amino acid residue and is not located wit hin the splice consensus sequence. It has been identified in 36.6% (1607/4396) o f African American chromosomes from a broad population by the NHLBI Exome Sequen cing Project (dbSNP rs1748).

Breakthrough Genomics
Classification: Benign. Review status: criteria provided, single submitter. Criteria: ACMG Guidelines, 2015. Collection method: not provided. Allele origin: germline. Inheritance: Autosomal dominant inheritance. Affected: yes.

PreventionGenetics, part of Exact Sciences
Classification: Benign. Review status: criteria provided, single submitter. Criteria: ACMG Guidelines, 2015. Collection method: clinical testing. Allele origin: germline.

Clinical Genetics DNA and cytogenetics Diagnostics Lab, Erasmus MC, Erasmus Medical Center
Classification: Benign. Review status: no assertion criteria provided. Collection method: clinical testing. Allele origin: germline. Affected: yes. Study: VKGL Data-share Consensus. Not counted in ClinVar's aggregate classification.

Genetic Services Laboratory, University of Chicago
Classification: Likely benign for AllHighlyPenetrant. Review status: no assertion criteria provided. Collection method: clinical testing. Allele origin: germline. Inheritance: Autosomal dominant inheritance. Not counted in ClinVar's aggregate classification.
Comment: Likely benign based on allele frequency in 1000 Genomes Project or ESP global frequency and its presence in a patient with a rare or unrelated disease phenotype. NOT Sanger confirmed.

Genome Diagnostics Laboratory, University Medical Center Utrecht
Classification: Benign. Review status: no assertion criteria provided. Collection method: clinical testing. Allele origin: germline. Affected: yes. Study: VKGL Data-share Consensus. Not counted in ClinVar's aggregate classification.

Tuberous sclerosis database (TSC2)
No classification provided. Condition: TSC. Review status: no classification provided. Criteria: Tuberous Sclerosis Database Assertion Criteria 2015. Collection method: curation. Allele origin: germline. Affected: yes. Not counted in ClinVar's aggregate classification.

Tuberous sclerosis database (TSC2)
No classification provided. Condition: TSC; LAM. Review status: no classification provided. Criteria: Tuberous Sclerosis Database Assertion Criteria 2015. Collection method: curation. Allele origin: germline. Affected: yes. Not counted in ClinVar's aggregate classification.